The following is an entry in ClinVar:

NM_001356.5(DDX3X):c.643A>T (p.Lys215Ter)

Gene: DDX3X (DEAD-box helicase 3 X-linked; plus strand). Cytogenetic location: Xp11.4.
Variant type: single nucleotide variant.
Coding change: c.643A>T on transcript NM_001356.5 (MANE Select); coding-DNA position 643, A replaced by T.
Protein change: p.Lys215Ter; replaces lysine 215 with a stop codon.
Molecular consequence: nonsense. On other transcripts: non-coding transcript variant (1).
Genome position (GRCh38, 1-based): chrX:41,343,315, A>T. VCF-style: chrX-41343315-A-T. GRCh37 (hg19) VCF-style: chrX-41202568-A-T.
Other names: c.643A>T, p.Lys215Ter (NM_001193416.3); c.595A>T, p.Lys199Ter (NM_001193417.3); c.85A>T, p.Lys29Ter (NM_001363819.1); short protein forms K215*, K199*, K29*.
Identifiers: ClinVar variation 931377 (VCV000931377.3), dbSNP rs2063876197, ClinGen allele CA412768157.

ClinVar aggregate classification (germline): Pathogenic (1 of 4 stars; one submission).

Conditions:
Intellectual disability, X-linked 102 (MRXSSB). Also called: Intellectual developmental disorder, X-linked syndromic, Snijders Blok type. Identifiers: Orphanet 457260, MedGen C5393299, MONDO:0010497, OMIM 300958.

Submission:

Centre for Mendelian Genomics, University Medical Centre Ljubljana
Classification: Pathogenic for Intellectual disability, X-linked 102. Last evaluated: 2016-01-01. Review status: criteria provided, single submitter. Criteria: ACMG Guidelines, 2015. Collection method: clinical testing. Allele origin: unknown. Affected: yes.
Comment: This variant was classified as: Pathogenic. The following ACMG criteria were applied in classifying this variant: PVS1,PM2,PM6. This variant arose de novo in at least one reported proband.